The following is an entry in ClinVar:

ClinVar aggregate classification (germline): Uncertain significance (1 of 4 stars; one submission).

Submission:

CeGaT Center for Human Genetics Tuebingen
Classification: Uncertain significance. Last evaluated: 2026-01-01. Review status: criteria provided, single submitter. Criteria: CeGaT Center For Human Genetics Tuebingen Variant Classification Criteria Version 2. Collection method: clinical testing. Allele origin: germline. Affected: yes. Observed: 1 variant allele.
Comment: HARS1: PM2

NM_002109.6(HARS1):c.192C>A (p.Asp64Glu)

Gene: HARS1 (histidyl-tRNA synthetase 1; minus strand). Cytogenetic location: 5q31.3.
Variant type: single nucleotide variant.
Coding change: c.192C>A on transcript NM_002109.6 (MANE Select); coding-DNA position 192, C replaced by A.
Protein change: p.Asp64Glu; replaces aspartic acid 64 with glutamic acid.
Molecular consequence: missense variant. On other transcripts: intron variant (3).
Genome position (GRCh38, 1-based): chr5:140,683,208, G>T on the plus strand (C>A on the coding strand, the complement: HARS1 is on the minus strand). VCF-style: chr5-140683208-G-T. GRCh37 (hg19) VCF-style: chr5-140062793-G-T.
Other names: c.192C>A, p.Asp64Glu (NM_001258041.3, NM_001289092.2); c.105C>A, p.Asp35Glu (NM_001289094.2); c.181-5193C>A (NM_001289093.2); c.181-3325C>A (NM_001258042.3, NM_001258040.3); short protein forms D35E, D64E.
Identifiers: ClinVar variation 4823079 (VCV004823079.4).